The following is an entry in ClinVar:

NM_001005273.3(CHD3):c.4619C>T (p.Thr1540Ile)

Gene: CHD3 (chromodomain helicase DNA binding protein 3; plus strand). Cytogenetic location: 17p13.1.
Variant type: single nucleotide variant.
Coding change: c.4619C>T on transcript NM_001005273.3 (MANE Select); coding-DNA position 4619, C replaced by T.
Protein change: p.Thr1540Ile; replaces threonine 1540 with isoleucine.
Molecular consequence: missense variant.
Genome position (GRCh38, 1-based): chr17:7,906,984, C>T. VCF-style: chr17-7906984-C-T. GRCh37 (hg19) VCF-style: chr17-7810302-C-T.
Other names: c.4796C>T, p.Thr1599Ile (NM_001005271.3, NM_001437504.1); c.4784C>T, p.Thr1595Ile (NM_001437507.1, NM_001437508.1, NM_001437509.1); c.4619C>T, p.Thr1540Ile (NM_005852.4); short protein forms T1540I, T1595I, T1599I.
Identifiers: ClinVar variation 4854560 (VCV004854560.1).

ClinVar aggregate classification (germline): Uncertain significance (1 of 4 stars; one submission).

Conditions:
Snijders Blok-Campeau syndrome. Also called: INTELLECTUAL DEVELOPMENTAL DISORDER WITH MACROCEPHALY, SPEECH DELAY, AND DYSMORPHIC FACIES. Identifiers: Orphanet 599082, MedGen C4748701, MONDO:0032600, OMIM 618205.

Submission:

3billion
Classification: Uncertain significance for Snijders Blok-Campeau syndrome. Last evaluated: 2025-09-29. Review status: criteria provided, single submitter. Criteria: ACMG Guidelines, 2015. Collection method: clinical testing. Allele origin: germline. Affected: yes.
Comment: The variant is not observed in the gnomAD v4.1.0 dataset. Predicted Consequence/Location: Missense variant Damaging effect on gene or gene product predicted by in silico programs is uncertain [REVEL: 0.46 (damaging >=0.6, benign <0.4), 3Cnet: 0.05 (damaging >0.75, benign <0.1)]. Therefore, this variant is classified as VUS according to the recommendation of ACMG/AMP guideline.